The following is an entry in ClinVar:

NM_001122659.3(EDNRB):c.102C>G (p.Asp34Glu)

Gene: EDNRB (endothelin receptor type B; minus strand). Cytogenetic location: 13q22.3.
Variant type: single nucleotide variant.
Coding change: c.102C>G on transcript NM_001122659.3 (MANE Select); coding-DNA position 102, C replaced by G.
Protein change: p.Asp34Glu; replaces aspartic acid 34 with glutamic acid.
Molecular consequence: missense variant.
Genome position (GRCh38, 1-based): chr13:77,918,472, G>C on the plus strand (C>G on the coding strand, the complement: EDNRB is on the minus strand). VCF-style: chr13-77918472-G-C. GRCh37 (hg19) VCF-style: chr13-78492607-G-C.
Other names: c.102C>G, p.Asp34Glu (NM_000115.5, NM_003991.4); c.372C>G, p.Asp124Glu (NM_001201397.2); short protein forms D34E, D124E.
Identifiers: ClinVar variation 2176145 (VCV002176145.6), dbSNP rs149740482, ClinGen allele CA7012395.

ClinVar aggregate classification (germline): Uncertain significance. Review status: criteria provided, multiple submitters, no conflicts (2 of 4 stars). 2 submissions from 2 submitters: Uncertain significance (2). Last evaluated 2025-06-30.

Conditions:
Inborn genetic diseases. Identifiers: MedGen C0950123, MeSH D030342.

Allele frequency attached by ClinVar (database versions not stated): gnomAD exomes 0.00001; ExAC 0.00006; gnomAD 0.00007; TOPMed 0.00007; ESP Exome Variant Server 0.00023.
gnomAD v4.1: 29 of 1,562,140 alleles (0.0019%); highest among the groups gnomAD compares: African/African-American, 0.036%; no homozygotes.

Submissions (2):

Ambry Genetics
Classification: Uncertain significance for Inborn genetic diseases. Last evaluated: 2025-06-30. Review status: criteria provided, single submitter. Criteria: Ambry Variant Classification Scheme 2023. Collection method: clinical testing. Allele origin: germline.

Labcorp Genetics (formerly Invitae), Labcorp
Classification: Uncertain significance. Last evaluated: 2022-10-17. Review status: criteria provided, single submitter. Criteria: Invitae Variant Classification Sherloc (09022015). Collection method: clinical testing. Allele origin: germline.
Comment: Algorithms developed to predict the effect of missense changes on protein structure and function (SIFT, PolyPhen-2, Align-GVGD) all suggest that this variant is likely to be tolerated. In summary, the available evidence is currently insufficient to determine the role of this variant in disease. Therefore, it has been classified as a Variant of Uncertain Significance. This variant has not been reported in the literature in individuals affected with EDNRB-related conditions. This variant is present in population databases (rs149740482, gnomAD 0.03%). This sequence change replaces aspartic acid, which is acidic and polar, with glutamic acid, which is acidic and polar, at codon 34 of the EDNRB protein (p.Asp34Glu).